The following is an entry in ClinVar:

ClinVar aggregate classification (germline): Uncertain significance (1 of 4 stars; one submission).

Submission:

GeneDx
Classification: Uncertain significance. Last evaluated: 2025-03-31. Review status: criteria provided, single submitter. Criteria: GeneDx Variant Classification Process June 2021. Collection method: clinical testing. Allele origin: germline. Affected: yes.
Comment: Not observed at significant frequency in large population cohorts (gnomAD); In silico analysis supports that this missense variant has a deleterious effect on protein structure/function; Has not been previously published as pathogenic or benign to our knowledge

NM_007118.4(TRIO):c.1352A>C (p.His451Pro)

Gene: TRIO (trio Rho guanine nucleotide exchange factor; plus strand). Cytogenetic location: 5p15.2.
Variant type: single nucleotide variant.
Coding change: c.1352A>C on transcript NM_007118.4 (MANE Select); coding-DNA position 1352, A replaced by C.
Protein change: p.His451Pro; replaces histidine 451 with proline.
Molecular consequence: missense variant. On other transcripts: non-coding transcript variant (1).
Genome position (GRCh38, 1-based): chr5:14,297,247, A>C. VCF-style: chr5-14297247-A-C. GRCh37 (hg19) VCF-style: chr5-14297356-A-C.
Other names: short protein forms H451P.
Identifiers: ClinVar variation 4278799 (VCV004278799.1).
Genomic context (GRCh38, chr5:14,297,247, plus strand): 5'-AGGCGTTTGCGGCAGCCCTGGATGAGCGGAGCACCTTGCTGGACATGTCCTCCATTTTCC[A>C]CCAGAAGGCCGAAAAGGTCAGTGCCTTGAACCCCCAGCCCACGAGGTGGTAACCAGAATA-3'
Protein context (NP_009049.2, residues 441-461): STLLDMSSIF[His451Pro]QKAEKYMSNV